The following is an entry in ClinVar:

ClinVar aggregate classification (germline): Uncertain significance (1 of 4 stars; one submission).

gnomAD v4.1: 1 of 1,613,316 alleles (0.000062%); highest among the groups gnomAD compares: Non-Finnish European, 0.000085%; no homozygotes.

Submission:

CeGaT Center for Human Genetics Tuebingen
Classification: Uncertain significance. Last evaluated: 2025-01-01. Review status: criteria provided, single submitter. Criteria: CeGaT Center For Human Genetics Tuebingen Variant Classification Criteria Version 2. Collection method: clinical testing. Allele origin: germline. Affected: yes. Observed: 1 variant allele.
Comment: TTN: PM2:Supporting

NM_001267550.2(TTN):c.22152A>G (p.Lys7384=)

Gene: TTN (titin; minus strand). Cytogenetic location: 2q31.2.
Variant type: single nucleotide variant.
Coding change: c.22152A>G on transcript NM_001267550.2 (MANE Select); coding-DNA position 22152, A replaced by G.
Protein change: p.Lys7384=; no amino-acid change (lysine 7384 retained).
Molecular consequence: synonymous variant. On other transcripts: intron variant (3).
Genome position (GRCh38, 1-based): chr2:178,722,747, T>C on the plus strand (A>G on the coding strand, the complement: TTN is on the minus strand). VCF-style: chr2-178722747-T-C. GRCh37 (hg19) VCF-style: chr2-179587474-T-C.
Other names: c.21201A>G, p.Lys7067= (NM_001256850.1); c.18420A>G, p.Lys6140= (NM_133378.4); c.13282+15335A>G (NM_003319.4); c.13858+15335A>G (NM_133437.4); c.13657+15335A>G (NM_133432.3).
Identifiers: ClinVar variation 3772318 (VCV003772318.13).